The following is an entry in ClinVar:

NM_020163.3(SEMA3G):c.1878+10G>A

Gene: SEMA3G (semaphorin 3G; minus strand). Cytogenetic location: 3p21.1.
Variant type: single nucleotide variant.
Coding change: c.1878+10G>A on transcript NM_020163.3 (MANE Select); 10 bases into the intron after coding-DNA position 1878, G replaced by A.
Molecular consequence: intron variant.
Genome position (GRCh38, 1-based): chr3:52,437,517, C>T on the plus strand (G>A on the coding strand, the complement: SEMA3G is on the minus strand). VCF-style: chr3-52437517-C-T. GRCh37 (hg19) VCF-style: chr3-52471533-C-T.
Identifiers: ClinVar variation 4988285 (VCV004988285.1).

ClinVar aggregate classification (germline): Likely benign (1 of 4 stars; one submission).

Conditions:
SEMA3G-related disorder. Also called: SEMA3G-related condition.

gnomAD v4.1: 3 of 1,609,288 alleles (0.00019%); highest among the groups gnomAD compares: Admixed American, 0.005%; no homozygotes.

Submission:

PreventionGenetics, part of Exact Sciences
Classification: Likely benign for SEMA3G-related condition. Last evaluated: 2025-01-29. Review status: criteria provided, single submitter. Criteria: ACMG Guidelines, 2015. Collection method: clinical testing. Allele origin: germline.
Comment: This variant is classified as likely benign based on ACMG/AMP sequence variant interpretation guidelines (Richards et al. 2015 PMID: 25741868, with internal and published modifications).